The following is an entry in ClinVar:

ClinVar aggregate classification (germline): Uncertain significance. Review status: criteria provided, multiple submitters, no conflicts (2 of 4 stars). 2 submissions from 2 submitters: Uncertain significance (2). Last evaluated 2024-12-26.

Allele frequency attached by ClinVar (database versions not stated): gnomAD exomes below 0.00001; ExAC 0.00002; TOPMed 0.00004; gnomAD 0.00005; ESP Exome Variant Server 0.00008.
gnomAD v4.1: 11 of 1,612,548 alleles (0.00068%); highest among the groups gnomAD compares: African/African-American, 0.012%; no homozygotes.

Submissions (2):

Labcorp Genetics (formerly Invitae), Labcorp
Classification: Uncertain significance. Last evaluated: 2024-12-26. Review status: criteria provided, single submitter. Criteria: Invitae Variant Classification Sherloc (09022015). Collection method: clinical testing. Allele origin: germline.
Comment: This sequence change replaces asparagine, which is neutral and polar, with lysine, which is basic and polar, at codon 3269 of the HMCN1 protein (p.Asn3269Lys). This variant is present in population databases (rs375584830, gnomAD 0.01%). This variant has not been reported in the literature in individuals affected with HMCN1-related conditions. ClinVar contains an entry for this variant (Variation ID: 2137400). An algorithm developed to predict the effect of missense changes on protein structure and function outputs the following: PolyPhen-2: "Benign". The lysine amino acid residue is found in multiple mammalian species, which suggests that this missense change does not adversely affect protein function. In summary, the available evidence is currently insufficient to determine the role of this variant in disease. Therefore, it has been classified as a Variant of Uncertain Significance.

Ambry Genetics
Classification: Uncertain significance. Last evaluated: 2024-12-07. Review status: criteria provided, single submitter. Criteria: Ambry Variant Classification Scheme 2023. Collection method: clinical testing. Allele origin: germline.

NM_031935.3(HMCN1):c.9807T>A (p.Asn3269Lys)

Gene: HMCN1 (hemicentin 1; plus strand). Cytogenetic location: 1q31.1.
Variant type: single nucleotide variant.
Coding change: c.9807T>A on transcript NM_031935.3 (MANE Select); coding-DNA position 9807, T replaced by A.
Protein change: p.Asn3269Lys; replaces asparagine 3269 with lysine.
Molecular consequence: missense variant.
Genome position (GRCh38, 1-based): chr1:186,090,837, T>A. VCF-style: chr1-186090837-T-A. GRCh37 (hg19) VCF-style: chr1-186059969-T-A.
Other names: c.9807T>A (NM_031935.2); short protein forms N3269K.
Identifiers: ClinVar variation 2137400 (VCV002137400.5), dbSNP rs375584830, ClinGen allele CA1293545.